The following is an entry in ClinVar:

NM_004521.3(KIF5B):c.215-1G>C

Gene: KIF5B (kinesin family member 5B; minus strand). Cytogenetic location: 10p11.22.
Variant type: single nucleotide variant.
Coding change: c.215-1G>C on transcript NM_004521.3 (MANE Select); the canonical splice acceptor site of the intron before coding-DNA position 215, G replaced by C.
Molecular consequence: splice acceptor variant.
Genome position (GRCh38, 1-based): chr10:32,040,458, C>G on the plus strand (G>C on the coding strand, the complement: KIF5B is on the minus strand). VCF-style: chr10-32040458-C-G. GRCh37 (hg19) VCF-style: chr10-32329386-C-G.
Identifiers: ClinVar variation 4086545 (VCV004086545.1).

ClinVar aggregate classification (germline): Uncertain significance (1 of 4 stars; one submission).

Submission:

GeneDx
Classification: Uncertain significance. Last evaluated: 2025-03-15. Review status: criteria provided, single submitter. Criteria: GeneDx Variant Classification Process June 2021. Collection method: clinical testing. Allele origin: germline. Affected: yes.
Comment: Not observed at significant frequency in large population cohorts (gnomAD); Canonical splice site variant in a gene or region of a gene for which loss of function is not a well-established mechanism of disease; Has not been previously published as pathogenic or benign to our knowledge